The following is an entry in ClinVar:

NM_001190274.2(FBXO11):c.440C>G (p.Ser147Ter)

Gene: FBXO11 (F-box protein 11; minus strand). Cytogenetic location: 2p16.3.
Variant type: single nucleotide variant.
Coding change: c.440C>G on transcript NM_001190274.2 (MANE Select); coding-DNA position 440, C replaced by G.
Protein change: p.Ser147Ter; replaces serine 147 with a stop codon.
Molecular consequence: nonsense.
Genome position (GRCh38, 1-based): chr2:47,839,421, G>C on the plus strand (C>G on the coding strand, the complement: FBXO11 is on the minus strand). VCF-style: chr2-47839421-G-C. GRCh37 (hg19) VCF-style: chr2-48066560-G-C.
Other names: c.188C>G, p.Ser63Ter (NM_001374325.1, NM_025133.4); short protein forms S63*, S147*.
Identifiers: ClinVar variation 631527 (VCV000631527.3), dbSNP rs1572820988, ClinGen allele CA346813308.

ClinVar aggregate classification (germline): Likely pathogenic (0 of 4 stars; one submission).

Conditions:
Obesity. Also called: Obesity disorder. Identifiers: Orphanet 71529, MedGen C0028754, MeSH D009765, MONDO:0011122, HP:0001513.

Submission:

Dash Lab, University Health Network
Classification: Likely pathogenic for Obesity. Last evaluated: 2017-07-01. Review status: no assertion criteria provided. Collection method: research. Allele origin: germline. Affected: yes.
Comment: Obesity with no other associated features